The following is an entry in ClinVar:

ClinVar aggregate classification (germline): Uncertain significance (1 of 4 stars; one submission).

Allele frequency attached by ClinVar (database versions not stated): ExAC 0.00001; gnomAD 0.00001; TOPMed 0.00001.
gnomAD v4.1: 2 of 1,614,066 alleles (0.00012%); highest among the groups gnomAD compares: Non-Finnish European, 0.00017%; no homozygotes.

Submission:

Women's Health and Genetics/Laboratory Corporation of America, LabCorp
Classification: Uncertain significance. Last evaluated: 2023-06-05. Review status: criteria provided, single submitter. Criteria: LabCorp Variant Classification Summary - May 2015. Collection method: clinical testing. Allele origin: germline.
Comment: Variant summary: SLC12A3 c.205C>A (p.His69Asn) results in a conservative amino acid change located in the amino acid permease, N-terminal domain (IPR013612) of the encoded protein sequence. Three of five in-silico tools predict a benign effect of the variant on protein function. The variant allele was found at a frequency of 4e-06 in 251384 control chromosomes (gnomAD). The available data on variant occurrences in the general population are insufficient to allow any conclusion about variant significance. c.205C>A has been reported in the literature as a compound heterozygous genotype in two related individuals affected with Familial Hypokalemia-Hypomagnesemia (Gitelman syndrome) (Fava_2007). This report does not provide unequivocal conclusions about association of the variant with Familial Hypokalemia-Hypomagnesemia. To our knowledge, no experimental evidence demonstrating an impact on protein function has been reported. No clinical diagnostic laboratories have submitted clinical-significance assessments for this variant to ClinVar after 2014. Based on the evidence outlined above, the variant was classified as uncertain significance.

Literature cited by the submitters: PubMed 17654016.

NM_001126108.2(SLC12A3):c.205C>A (p.His69Asn)

Gene: SLC12A3 (solute carrier family 12 member 3; plus strand). Cytogenetic location: 16q13.
Variant type: single nucleotide variant.
Coding change: c.205C>A on transcript NM_001126108.2 (MANE Select); coding-DNA position 205, C replaced by A.
Protein change: p.His69Asn; replaces histidine 69 with asparagine.
Molecular consequence: missense variant.
Genome position (GRCh38, 1-based): chr16:56,865,440, C>A. VCF-style: chr16-56865440-C-A. GRCh37 (hg19) VCF-style: chr16-56899352-C-A.
Other names: c.205C>A, p.His69Asn (NM_000339.3, NM_001126107.2, NM_001410896.1); short protein forms H69N.
Identifiers: ClinVar variation 2573394 (VCV002573394.1), dbSNP rs780502516, ClinGen allele CA8068936.